The following is an entry in ClinVar:

NM_000535.7(PMS2):c.262C>T (p.His88Tyr)

Gene: PMS2 (PMS1 homolog 2, mismatch repair system component; minus strand). Cytogenetic location: 7p22.1.
Variant type: single nucleotide variant.
Coding change: c.262C>T on transcript NM_000535.7 (MANE Select); coding-DNA position 262, C replaced by T.
Protein change: p.His88Tyr; replaces histidine 88 with tyrosine.
Molecular consequence: missense variant. On other transcripts: 5 prime UTR variant (35), non-coding transcript variant (1), intron variant (11).
Genome position (GRCh38, 1-based): chr7:6,003,781, G>A on the plus strand (C>T on the coding strand, the complement: PMS2 is on the minus strand). VCF-style: chr7-6003781-G-A. GRCh37 (hg19) VCF-style: chr7-6043412-G-A.
Other names: c.-144C>T (NM_001018040.1, NM_001322003.2, NM_001322004.2 and 14 more transcripts); c.262C>T, p.His88Tyr (NM_001322006.2, NM_001322014.2, NM_001406869.1 and 8 more transcripts); c.-623C>T (NM_001322011.2, NM_001322012.2); c.-223C>T (NM_001322015.2, NM_001406875.1, NM_001406877.1 and 3 more transcripts); c.448C>T, p.His150Tyr (NM_001406866.1); c.286C>T, p.His96Tyr (NM_001406868.1); c.-170C>T (NM_001406880.1); c.-91C>T (NM_001406888.1, NM_001406889.1, NM_001406892.1 and 6 more transcripts); and 5 more; short protein forms H88Y, H150Y, H96Y.
Identifiers: ClinVar variation 2451589 (VCV002451589.5), dbSNP rs1243546223, ClinGen allele CA366744710.

ClinVar aggregate classification (germline): Uncertain significance. Review status: criteria provided, multiple submitters, no conflicts (2 of 4 stars). 2 submissions from 2 submitters: Uncertain significance (2). Last evaluated 2022-12-29.

Conditions:
Hereditary nonpolyposis colorectal neoplasms. Identifiers: MedGen C0009405, MeSH D003123.
Hereditary cancer-predisposing syndrome. Also called: Neoplastic Syndromes, Hereditary; Tumor predisposition; Hereditary neoplastic syndrome; Hereditary Cancer Syndrome. Identifiers: Orphanet 140162, MedGen C0027672, MeSH D009386, MONDO:0015356.

Allele frequency attached by ClinVar (database versions not stated): gnomAD exomes below 0.00001; TOPMed below 0.00001.

Submissions (2):

Labcorp Genetics (formerly Invitae), Labcorp
Classification: Uncertain significance for Hereditary nonpolyposis colorectal neoplasms. Last evaluated: 2022-12-29. Review status: criteria provided, single submitter. Criteria: Invitae Variant Classification Sherloc (09022015). Collection method: clinical testing. Allele origin: germline.
Comment: In summary, the available evidence is currently insufficient to determine the role of this variant in disease. Therefore, it has been classified as a Variant of Uncertain Significance. Advanced modeling of protein sequence and biophysical properties (such as structural, functional, and spatial information, amino acid conservation, physicochemical variation, residue mobility, and thermodynamic stability) performed at Invitae indicates that this missense variant is not expected to disrupt PMS2 protein function. This variant has not been reported in the literature in individuals affected with PMS2-related conditions. This variant is not present in population databases (gnomAD no frequency). This sequence change replaces histidine, which is basic and polar, with tyrosine, which is neutral and polar, at codon 88 of the PMS2 protein (p.His88Tyr).

Ambry Genetics
Classification: Uncertain significance for Hereditary cancer-predisposing syndrome. Last evaluated: 2022-11-25. Review status: criteria provided, single submitter. Criteria: Ambry Variant Classification Scheme 2023. Collection method: clinical testing. Allele origin: germline.
Comment: The p.H88Y variant (also known as c.262C>T), located in coding exon 4 of the PMS2 gene, results from a C to T substitution at nucleotide position 262. The histidine at codon 88 is replaced by tyrosine, an amino acid with similar properties. This amino acid position is conserved. In addition, this alteration is predicted to be tolerated by in silico analysis. Since supporting evidence is limited at this time, the clinical significance of this alteration remains unclear.